The following is an entry in ClinVar:

NM_020937.4(FANCM):c.1393A>T (p.Asn465Tyr)

Gene: FANCM (FA complementation group M; plus strand). Cytogenetic location: 14q21.2.
Variant type: single nucleotide variant.
Coding change: c.1393A>T on transcript NM_020937.4 (MANE Select); coding-DNA position 1393, A replaced by T.
Protein change: p.Asn465Tyr; replaces asparagine 465 with tyrosine.
Molecular consequence: missense variant.
Genome position (GRCh38, 1-based): chr14:45,155,456, A>T. VCF-style: chr14-45155456-A-T. GRCh37 (hg19) VCF-style: chr14-45624659-A-T.
Other names: c.1393A>T (NM_020937.3); c.1315A>T, p.Asn439Tyr (NM_001308133.2); c.1393A>T, p.Asn465Tyr (NM_001308134.2); short protein forms N439Y, N465Y.
Identifiers: ClinVar variation 946550 (VCV000946550.11), dbSNP rs776166350, ClinGen allele CA7169029.

ClinVar aggregate classification (germline): Uncertain significance. Review status: criteria provided, multiple submitters, no conflicts (2 of 4 stars). 4 submissions from 4 submitters: Uncertain significance (4). Last evaluated 2025-09-02.

Conditions:
Fanconi anemia (FA). Also called: Fanconi's anemia. Identifiers: Orphanet 84, MedGen C0015625, MeSH D005199, MONDO:0019391.
Inborn genetic diseases. Identifiers: MedGen C0950123, MeSH D030342.

Allele frequency attached by ClinVar (database versions not stated): gnomAD exomes 0.00001 and below 0.00001; gnomAD 0.00001; ExAC 0.00002; TOPMed 0.00001.
gnomAD v4.1: 6 of 1,452,252 alleles (0.00041%); highest among the groups gnomAD compares: East Asian, 0.0023%; no homozygotes.

Submissions (4):

GeneDx
Classification: Uncertain significance. Last evaluated: 2025-09-02. Review status: criteria provided, single submitter. Criteria: GeneDx Variant Classification Process June 2021. Collection method: clinical testing. Allele origin: germline.
Comment: In silico analysis supports that this missense variant has a deleterious effect on protein structure/function; In silico analysis supports a deleterious effect on splicing; Observed in a patient with ovarian cancer (PMID: 34326862); This variant is associated with the following publications: (PMID: 34326862)

Ambry Genetics
Classification: Uncertain significance for Inborn genetic diseases. Last evaluated: 2025-08-13. Review status: criteria provided, single submitter. Criteria: Ambry Variant Classification Scheme 2023. Collection method: clinical testing. Allele origin: germline.

Labcorp Genetics (formerly Invitae), Labcorp
Classification: Uncertain significance for Fanconi anemia. Last evaluated: 2025-01-23. Review status: criteria provided, single submitter. Criteria: Invitae Variant Classification Sherloc (09022015). Collection method: clinical testing. Allele origin: germline.
Comment: This sequence change replaces asparagine, which is neutral and polar, with tyrosine, which is neutral and polar, at codon 465 of the FANCM protein (p.Asn465Tyr). This variant is present in population databases (rs776166350, gnomAD 0.02%). This variant has not been reported in the literature in individuals affected with FANCM-related conditions. ClinVar contains an entry for this variant (Variation ID: 946550). An algorithm developed to predict the effect of missense changes on protein structure and function (PolyPhen-2) suggests that this variant is likely to be disruptive. Algorithms developed to predict the effect of sequence changes on RNA splicing suggest that this variant may disrupt the consensus splice site. In summary, the available evidence is currently insufficient to determine the role of this variant in disease. Therefore, it has been classified as a Variant of Uncertain Significance.

Quest Diagnostics Nichols Institute San Juan Capistrano
Classification: Uncertain significance. Last evaluated: 2024-10-09. Review status: criteria provided, single submitter. Criteria: Quest Diagnostics criteria. Collection method: clinical testing. Allele origin: unknown.
Comment: The FANCM c.1393A>T (p.Asn465Tyr) variant has been reported in the published literature in an individual with ovarian cancer (PMID: 34326862 (2021)). The frequency of this variant in the general population, 0.00016 (3/18386 chromosomes (Genome Aggregation Database)), is uninformative in the assessment of its pathogenicity. Analysis of this variant using bioinformatics tools for the prediction of the effect of amino acid changes on protein structure and function yielded conflicting predictions that this variant is benign or damaging. Additional analysis using software algorithms for the prediction of the effect of nucleotide changes on FANCM mRNA splicing yielded predictions that this variant may result in the gain of a cryptic splice site without affecting the natural splice sites. Based on the available information, we are unable to determine the clinical significance of this variant.

Literature cited by the submitters: PubMed 34326862 (cited by Quest Diagnostics Nichols Institute San Juan Capistrano).